The following is an entry in ClinVar:

ClinVar aggregate classification (germline): Uncertain significance. Review status: criteria provided, multiple submitters, no conflicts (2 of 4 stars). 2 submissions from 2 submitters: Uncertain significance (2). Last evaluated 2025-06-10.

Conditions:
Developmental and epileptic encephalopathy, 12 (DEE12). Identifiers: MedGen C3150988, MONDO:0013389, OMIM 613722.

Allele frequency attached by ClinVar (database versions not stated): gnomAD 0.00013 and 0.00015; TOPMed 0.00019; gnomAD exomes 0.00002 and 0.00006; ExAC 0.00008; ESP Exome Variant Server 0.00008.
gnomAD v4.1: 44 of 1,614,034 alleles (0.0027%); highest among the groups gnomAD compares: African/African-American, 0.053%; no homozygotes.

Submissions (2):

GeneDx
Classification: Uncertain significance. Last evaluated: 2025-06-10. Review status: criteria provided, single submitter. Criteria: GeneDx Variant Classification Process June 2021. Collection method: clinical testing. Allele origin: germline. Affected: yes.
Comment: In silico analysis suggests that this missense variant does not alter protein structure/function; Has not been previously published as pathogenic or benign to our knowledge; This variant is associated with the following publications: (PMID: 22508754)

Labcorp Genetics (formerly Invitae), Labcorp
Classification: Uncertain significance for Developmental and epileptic encephalopathy, 12. Last evaluated: 2025-01-06. Review status: criteria provided, single submitter. Criteria: Invitae Variant Classification Sherloc (09022015). Collection method: clinical testing. Allele origin: germline.
Comment: This sequence change replaces arginine, which is basic and polar, with glutamine, which is neutral and polar, at codon 60 of the PNKP protein (p.Arg60Gln). This variant is present in population databases (rs374743798, gnomAD 0.07%). This variant has not been reported in the literature in individuals affected with PNKP-related conditions. ClinVar contains an entry for this variant (Variation ID: 206381). An algorithm developed to predict the effect of missense changes on protein structure and function (PolyPhen-2) suggests that this variant¬†is likely to be tolerated. In summary, the available evidence is currently insufficient to determine the role of this variant in disease. Therefore, it has been classified as a Variant of Uncertain Significance.

NM_007254.4(PNKP):c.179G>A (p.Arg60Gln)

Gene: PNKP (polynucleotide kinase 3'-phosphatase; minus strand). Cytogenetic location: 19q13.33.
Variant type: single nucleotide variant.
Coding change: c.179G>A on transcript NM_007254.4 (MANE Select); coding-DNA position 179, G replaced by A.
Protein change: p.Arg60Gln; replaces arginine 60 with glutamine.
Molecular consequence: missense variant.
Genome position (GRCh38, 1-based): chr19:49,866,418, C>T on the plus strand (G>A on the coding strand, the complement: PNKP is on the minus strand). VCF-style: chr19-49866418-C-T. GRCh37 (hg19) VCF-style: chr19-50369675-C-T.
Other names: p.R60Q:CGG>CAG; short protein forms R60Q.
Identifiers: ClinVar variation 206381 (VCV000206381.12), dbSNP rs374743798, ClinGen allele CA316442.